The following is an entry in ClinVar:

ClinVar aggregate classification (germline): Likely benign. Review status: criteria provided, multiple submitters, no conflicts (2 of 4 stars). 3 submissions from 3 submitters: Likely benign (3). Last evaluated 2026-05-13.

Conditions:
Neurofibromatosis, type 1 (NF1). Also called: VON RECKLINGHAUSEN DISEASE; Neurofibromatosis, type I; NEUROFIBROMATOSIS, TYPE I, SOMATIC; Peripheral type neurofibromatosis. Identifiers: Orphanet 636, MedGen C0027831, MONDO:0018975, OMIM 162200. Disease mechanism: loss of function.

Allele frequency attached by ClinVar (database versions not stated): TOPMed 0.00003; gnomAD exomes below 0.00001; gnomAD 0.00001.
gnomAD v4.1: 5 of 1,520,336 alleles (0.00033%); highest among the groups gnomAD compares: Admixed American, 0.0017%; no homozygotes.

Submissions (3):

Myriad Genetics, Inc.
Classification: Likely benign for Neurofibromatosis, type 1. Last evaluated: 2026-05-13. Review status: criteria provided, single submitter. Criteria: Myriad Autosomal Dominant, Autosomal Recessive and X-Linked Classification Criteria (2023). Collection method: clinical testing. Allele origin: unknown.
Comment: This variant is considered likely benign. This variant is intronic and is not expected to impact mRNA splicing.

Labcorp Genetics (formerly Invitae), Labcorp
Classification: Likely benign for Neurofibromatosis, type 1. Last evaluated: 2026-02-01. Review status: criteria provided, single submitter. Criteria: Invitae Variant Classification Sherloc (09022015). Collection method: clinical testing. Allele origin: germline.

ARUP Laboratories, Molecular Genetics and Genomics, ARUP Laboratories
Classification: Likely benign. Last evaluated: 2025-05-05. Review status: criteria provided, single submitter. Criteria: ARUP Molecular Germline Variant Investigation Process 2024. Collection method: clinical testing. Allele origin: germline.

NM_001042492.3(NF1):c.4333-14G>C

Gene: NF1 (neurofibromin 1; plus strand). Cytogenetic location: 17q11.2.
Variant type: single nucleotide variant.
Coding change: c.4333-14G>C on transcript NM_001042492.3 (MANE Select); 14 bases into the intron before coding-DNA position 4333, G replaced by C.
Molecular consequence: intron variant.
Genome position (GRCh38, 1-based): chr17:31,259,018, G>C. VCF-style: chr17-31259018-G-C. GRCh37 (hg19) VCF-style: chr17-29586036-G-C.
Other names: c.4270-14G>C (NM_000267.4).
Identifiers: ClinVar variation 1598233 (VCV001598233.10), dbSNP rs2067634788, ClinGen allele CA982968133.
Genomic context (GRCh38, chr17:31,259,018, plus strand): 5'-TTAAAGAATGTCTTAATGTATAGACTTCATACAATAAATAATCTGATTATTTATAACCCT[G>C]TTTTATTGTGTAGATACTTCAGAGTATTGCCAATCATGTTCTCTTCACAAAAGAAGAACA-3'